The following is an entry in ClinVar:

ClinVar aggregate classification (germline): Pathogenic (1 of 4 stars; one submission).

Conditions:
Ataxia-telangiectasia syndrome (AT). Also called: Ataxia-telangiectasia, complementation group E; LOUIS-BAR SYNDROME; Ataxia-telangiectasia, complementation group D; AT, COMPLEMENTATION GROUP C; Ataxia-telangiectasia; Cerebello-oculocutaneous telangiectasia. Identifiers: Orphanet 100, MedGen C0004135, MONDO:0008840, OMIM 208900.

Submission:

Labcorp Genetics (formerly Invitae), Labcorp
Classification: Pathogenic for Ataxia-telangiectasia syndrome. Last evaluated: 2021-09-04. Review status: criteria provided, single submitter. Criteria: Invitae Variant Classification Sherloc (09022015). Collection method: clinical testing. Allele origin: germline.
Comment: For these reasons, this variant has been classified as Pathogenic. This variant disrupts a region of the ATM protein in which other variant(s) (p.Pro292Leu) have been determined to be pathogenic (PMID: 10873394, 18634022, 19431188, 23264026, 30549301). This suggests that this is a clinically significant region of the protein, and that variants that disrupt it are likely to be disease-causing. This variant has not been reported in the literature in individuals affected with ATM-related conditions. This variant results in the deletion of exons 5-9 and part of exon 10 (c.331+983_1285del) of the ATM gene. It is expected to disrupt RNA splicing. Variants that disrupt the donor or acceptor splice site typically lead to a loss of protein function (PMID: 16199547), and loss-of-function variants in ATM are known to be pathogenic (PMID: 23807571, 25614872).

Literature cited by the submitters: PubMed 10873394; PubMed 18634022; PubMed 19431188; PubMed 23264026; PubMed 30549301; PubMed 16199547; PubMed 23807571; PubMed 25614872.

NC_000011.9:g.(?_108101030)_(108121474_?)del

Gene: ATM (ATM serine/threonine kinase; plus strand). Cytogenetic location: 11q22.3.
Variant type: Deletion.
Identifiers: ClinVar variation 1459434 (VCV001459434.4).